The following is an entry in ClinVar:

ClinVar aggregate classification (germline): Likely pathogenic (1 of 4 stars; one submission).

Conditions:
Severe myoclonic epilepsy in infancy (DRVT). Also called: Epileptic encephalopathy, early infantile, 6 (Dravet syndrome); SEVERE MYOCLONIC EPILEPSY OF INFANCY; DEVELOPMENTAL AND EPILEPTIC ENCEPHALOPATHY 6A; Severe Myoclonic Epilepsy in Infancy (SMEI); Dravet syndrome. Identifiers: Orphanet 33069, MedGen C0751122, MONDO:0100135, OMIM 607208.

Submission:

Pele Pequeno Principe Research Institute, Faculdades Pequeno Principe
Classification: Likely pathogenic for Severe myoclonic epilepsy in infancy. Last evaluated: 2026-07-24. Review status: criteria provided, single submitter. Criteria: ACMG Guidelines, 2015. Collection method: research. Allele origin: de novo. Inheritance: Sporadic. Affected: yes. Observed: 1 variant allele, 1 heterozygote.
Comment: This sequence change results in a frameshift, introducing a premature termination codon in the SCN1A transcript. The altered transcript is predicted to undergo nonsense-mediated decay, resulting in loss of function of the encoded protein. Loss-of-function is an established disease mechanism for SCN1A-related disorders, supporting application of ACMG criterion PVS1_Very Strong. This variant is absent from population databases (gnomAD), fulfilling ACMG criterion PM2_Supporting.

NM_001165963.4(SCN1A):c.3298del (p.Ser1100fs)

Genes: SCN1A (sodium voltage-gated channel alpha subunit 1; minus strand), LOC102724058 (uncharacterized LOC102724058; plus strand). Cytogenetic location: 2q24.3.
Variant type: Deletion.
Coding change: c.3298del on transcript NM_001165963.4 (MANE Select); coding-DNA position 3298, one base deleted (A; older notation c.3298delA).
Protein change: p.Ser1100fs; shifts the reading frame from serine 1100.
Molecular consequence: frameshift variant. On other transcripts: non-coding transcript variant (2).
Genome position (GRCh38, 1-based): chr2:166,036,179, T deleted on the plus strand (A on the coding strand, the reverse complement: SCN1A is on the minus strand); the first of 3 consecutive T bases (chr2:166,036,179-166,036,181); deleting any one gives the same sequence. VCF-style (leftmost placement, unchanged base first): chr2-166036178-CT-C. GRCh37 (hg19) VCF-style: chr2-166892688-CT-C.
Other names: c.3214del, p.Ser1072fs (NM_001165964.3, NM_001353957.2, NM_001353958.2); c.3298del, p.Ser1100fs (NM_001202435.3, NM_001353948.2); c.3265del, p.Ser1089fs (NM_001353949.2, NM_001353950.2, NM_001353951.2 and 2 more transcripts); c.3262del, p.Ser1088fs (NM_001353954.2, NM_001353955.2); c.3211del, p.Ser1071fs (NM_001353960.2); c.856del, p.Ser286fs (NM_001353961.2); short protein forms S1071fs, S1072fs, S1088fs, S1089fs, S1100fs, S286fs.
Identifiers: ClinVar variation 4880279 (VCV004880279.1).